The following is an entry in ClinVar:

ClinVar aggregate classification (germline): Uncertain significance (1 of 4 stars; one submission).

Conditions:
Primary ciliary dyskinesia. Also called: Ciliary dyskinesia. Identifiers: Orphanet 244, MedGen C0008780, MONDO:0016575, HP:0012265.

Submission:

Labcorp Genetics (formerly Invitae), Labcorp
Classification: Uncertain significance for Primary ciliary dyskinesia. Last evaluated: 2022-04-28. Review status: criteria provided, single submitter. Criteria: Invitae Variant Classification Sherloc (09022015). Collection method: clinical testing. Allele origin: germline.
Comment: This variant, c.1924_1926del, results in the deletion of 1 amino acid(s) of the CCDC40 protein (p.Ser642del), but otherwise preserves the integrity of the reading frame. This variant is present in population databases (rs750295453, gnomAD 0.006%). This variant has not been reported in the literature in individuals affected with CCDC40-related conditions. Experimental studies and prediction algorithms are not available or were not evaluated, and the functional significance of this variant is currently unknown. In summary, the available evidence is currently insufficient to determine the role of this variant in disease. Therefore, it has been classified as a Variant of Uncertain Significance.

NM_017950.4(CCDC40):c.1924_1926del (p.Ser642del)

Gene: CCDC40 (coiled-coil domain 40 molecular ruler complex subunit; plus strand). Cytogenetic location: 17q25.3.
Variant type: Deletion.
Coding change: c.1924_1926del on transcript NM_017950.4 (MANE Select); coding-DNA positions 1924 to 1926, 3 bases deleted (TCC; older notation c.1924_1926delTCC).
Protein change: p.Ser642del; deletes serine 642.
Molecular consequence: inframe deletion.
Genome position (GRCh38, 1-based): chr17:80,081,993-80,081,995, TCC deleted; deleting any 3 consecutive bases within chr17:80,081,991-80,081,995 gives the same sequence; the c. name uses the placement nearest the transcript's 3' end. VCF-style (leftmost placement, unchanged base first): chr17-80081990-ACCT-A. GRCh37 (hg19) VCF-style: chr17-78055789-ACCT-A.
Other names: c.1924_1926del, p.Ser642del (NM_001243342.2); short protein forms S642del.
Identifiers: ClinVar variation 1509994 (VCV001509994.5), dbSNP rs750295453, ClinGen allele CA8814055.
Genomic context (GRCh38, chr17:80,081,990, plus strand): 5'-GAGCTGGAGCTCAGGAGGAAGACGGATGCTGCCATCCGGGAGAAGCTGCAGGAGCACATG[ACCT>A]CCAACAAGACCACCAAATACTTCAACCAGCTCATCCTGAGGCTGCAGAAGGAGAAGACCA-3'